The following is an entry in ClinVar:

ClinVar aggregate classification (germline): Uncertain significance (1 of 4 stars; one submission).

Allele frequency attached by ClinVar (database versions not stated): gnomAD 0.00001.

Submission:

Labcorp Genetics (formerly Invitae), Labcorp
Classification: Uncertain significance. Last evaluated: 2023-12-14. Review status: criteria provided, single submitter. Criteria: Invitae Variant Classification Sherloc (09022015). Collection method: clinical testing. Allele origin: germline.
Comment: This sequence change replaces alanine, which is neutral and non-polar, with aspartic acid, which is acidic and polar, at codon 6 of the COL4A3 protein (p.Ala6Asp). This variant is not present in population databases (gnomAD no frequency). This variant has not been reported in the literature in individuals affected with COL4A3-related conditions. Advanced modeling of protein sequence and biophysical properties (such as structural, functional, and spatial information, amino acid conservation, physicochemical variation, residue mobility, and thermodynamic stability) performed at Invitae indicates that this missense variant is not expected to disrupt COL4A3 protein function with a negative predictive value of 95%. In summary, the available evidence is currently insufficient to determine the role of this variant in disease. Therefore, it has been classified as a Variant of Uncertain Significance.

NM_000091.5(COL4A3):c.17C>A (p.Ala6Asp)

Genes: COL4A3 (collagen type IV alpha 3 chain; plus strand), LOC129935730 (ATAC-STARR-seq lymphoblastoid silent region 12397; plus strand). Cytogenetic location: 2q36.3.
Variant type: single nucleotide variant.
Coding change: c.17C>A on transcript NM_000091.5 (MANE Select); coding-DNA position 17, C replaced by A.
Protein change: p.Ala6Asp; replaces alanine 6 with aspartic acid.
Molecular consequence: missense variant.
Genome position (GRCh38, 1-based): chr2:227,164,743, C>A. VCF-style: chr2-227164743-C-A. GRCh37 (hg19) VCF-style: chr2-228029459-C-A.
Other names: short protein forms A6D.
Identifiers: ClinVar variation 2697757 (VCV002697757.3), dbSNP rs1317800639, ClinGen allele CA350845938.